The following is an entry in ClinVar:

NM_022089.4(ATP13A2):c.3175C>T (p.Leu1059Phe)

Gene: ATP13A2 (ATPase cation transporting 13A2; minus strand). Cytogenetic location: 1p36.13.
Variant type: single nucleotide variant.
Coding change: c.3175C>T on transcript NM_022089.4 (MANE Select); coding-DNA position 3175, C replaced by T.
Protein change: p.Leu1059Phe; replaces leucine 1059 with phenylalanine.
Molecular consequence: missense variant.
Genome position (GRCh38, 1-based): chr1:16,986,865, G>A on the plus strand (C>T on the coding strand, the complement: ATP13A2 is on the minus strand). VCF-style: chr1-16986865-G-A. GRCh37 (hg19) VCF-style: chr1-17313360-G-A.
Other names: p.Leu1059Phe; c.3160C>T, p.Leu1054Phe (NM_001141973.3); c.3043C>T, p.Leu1015Phe (NM_001141974.3); short protein forms L1059F, L1015F, L1054F.
Identifiers: ClinVar variation 465262 (VCV000465262.4), dbSNP rs764410859, ClinGen allele CA636584.

ClinVar aggregate classification (germline): Uncertain significance. Review status: criteria provided, multiple submitters, no conflicts (2 of 4 stars). 2 submissions from 2 submitters: Uncertain significance (2). Last evaluated 2023-01-09.

Conditions:
Autosomal recessive spastic paraplegia type 78. Identifiers: Orphanet 513436, MedGen C5567893, MONDO:0014975, OMIM 617225.
Kufor-Rakeb syndrome (KRS). Also called: PARKINSON DISEASE 9, AUTOSOMAL RECESSIVE, JUVENILE-ONSET. Identifiers: Orphanet 306674, Orphanet 314632, MedGen C1847640, MONDO:0011706, OMIM 606693.

Allele frequency attached by ClinVar (database versions not stated): gnomAD exomes below 0.00001; ExAC 0.00001; gnomAD 0.00001 and 0.00002; TOPMed 0.00001.
gnomAD v4.1: 8 of 1,613,954 alleles (0.0005%); highest among the groups gnomAD compares: African/African-American, 0.0013%; no homozygotes.

Submissions (2):

Mayo Clinic Laboratories, Mayo Clinic
Classification: Uncertain significance. Last evaluated: 2023-01-09. Review status: criteria provided, single submitter. Criteria: ACMG Guidelines, 2015. Collection method: clinical testing. Allele origin: germline. Observed: 1 variant allele.
Comment: PM2, PM5

Labcorp Genetics (formerly Invitae), Labcorp
Classification: Uncertain significance for Kufor-Rakeb syndrome; Autosomal recessive spastic paraplegia type 78. Last evaluated: 2022-02-10. Review status: criteria provided, single submitter. Criteria: Invitae Variant Classification Sherloc (09022015). Collection method: clinical testing. Allele origin: germline.
Comment: This sequence change replaces leucine, which is neutral and non-polar, with phenylalanine, which is neutral and non-polar, at codon 1059 of the ATP13A2 protein (p.Leu1059Phe). This variant is present in population databases (rs764410859, gnomAD 0.005%). This variant has not been reported in the literature in individuals affected with ATP13A2-related conditions. ClinVar contains an entry for this variant (Variation ID: 465262). Advanced modeling of protein sequence and biophysical properties (such as structural, functional, and spatial information, amino acid conservation, physicochemical variation, residue mobility, and thermodynamic stability) performed at Invitae indicates that this missense variant is not expected to disrupt ATP13A2 protein function. This variant disrupts the p.Leu1059 amino acid residue in ATP13A2. Other variant(s) that disrupt this residue have been determined to be pathogenic (PMID: 21542062, 22296644, 24399444). This suggests that this residue is clinically significant, and that variants that disrupt this residue are likely to be disease-causing. In summary, the available evidence is currently insufficient to determine the role of this variant in disease. Therefore, it has been classified as a Variant of Uncertain Significance.

Literature cited by the submitters: PubMed 21542062 (cited by Labcorp Genetics (formerly Invitae), Labcorp); PubMed 22296644 (cited by Labcorp Genetics (formerly Invitae), Labcorp); PubMed 24399444 (cited by Labcorp Genetics (formerly Invitae), Labcorp).